The following is an entry in ClinVar:

ClinVar aggregate classification (germline): Uncertain significance (1 of 4 stars; one submission).

Conditions:
Cardiovascular phenotype. Identifiers: MedGen CN230736.

gnomAD v4.1: 1 of 1,371,138 alleles (0.000073%); highest among the groups gnomAD compares: Non-Finnish European, 0.0001%; no homozygotes.

Submission:

Ambry Genetics
Classification: Uncertain significance for Cardiovascular phenotype. Last evaluated: 2024-10-18. Review status: criteria provided, single submitter. Criteria: Ambry Variant Classification Scheme 2023. Collection method: clinical testing. Allele origin: germline.
Comment: The p.V470I variant (also known as c.1408G>A), located in coding exon 13 of the PRKAG2 gene, results from a G to A substitution at nucleotide position 1408. The valine at codon 470 is replaced by isoleucine, an amino acid with highly similar properties. This amino acid position is conserved. In addition, the in silico prediction for this alteration is inconclusive. Based on the available evidence, the clinical significance of this variant remains unclear.

NM_016203.4(PRKAG2):c.1408G>A (p.Val470Ile)

Gene: PRKAG2 (protein kinase AMP-activated non-catalytic subunit gamma 2; minus strand). Cytogenetic location: 7q36.1.
Variant type: single nucleotide variant.
Coding change: c.1408G>A on transcript NM_016203.4 (MANE Select); coding-DNA position 1408, G replaced by A.
Protein change: p.Val470Ile; replaces valine 470 with isoleucine.
Molecular consequence: missense variant.
Genome position (GRCh38, 1-based): chr7:151,565,375, C>T on the plus strand (G>A on the coding strand, the complement: PRKAG2 is on the minus strand). VCF-style: chr7-151565375-C-T. GRCh37 (hg19) VCF-style: chr7-151262461-C-T.
Other names: c.1276G>A, p.Val426Ile (NM_001040633.2, NM_001407024.1); c.1033G>A, p.Val345Ile (NM_001304527.2, NM_001407029.1); c.685G>A, p.Val229Ile (NM_001304531.2, NM_001407034.1, NM_001407035.1 and 1 more transcripts); c.1036G>A, p.Val346Ile (NM_001363698.2, NM_001407028.1); c.1408G>A, p.Val470Ile (NM_001407021.1); c.1405G>A, p.Val469Ile (NM_001407022.1, NM_001407023.1); c.1273G>A, p.Val425Ile (NM_001407026.1, NM_001407027.1); c.1120G>A, p.Val374Ile (NM_001407030.1); and 6 more; short protein forms V245I, V346I, V469I, V470I, V228I, V374I, V425I, V229I.
Identifiers: ClinVar variation 3425018 (VCV003425018.1).